The following is an entry in ClinVar:

ClinVar aggregate classification (germline): Conflicting classifications of pathogenicity. Review status: criteria provided, conflicting classifications (1 of 4 stars). 3 submissions from 3 submitters: Uncertain significance (2); Likely benign (1). Last evaluated 2025-08-06.

Conditions:
Gorlin syndrome. Also called: Nevoid Basal Cell Carcinoma Syndrome; Basal cell nevus syndrome. Identifiers: Orphanet 377, MedGen C0004779, MONDO:0007187.
Hereditary cancer-predisposing syndrome. Also called: Hereditary neoplastic syndrome; Neoplastic Syndromes, Hereditary; Tumor predisposition; Hereditary Cancer Syndrome. Identifiers: Orphanet 140162, MedGen C0027672, MeSH D009386, MONDO:0015356.

Allele frequency attached by ClinVar (database versions not stated): gnomAD exomes below 0.00001.
gnomAD v4.1: 1 of 1,597,606 alleles (0.000063%); highest among the groups gnomAD compares: Non-Finnish European, 0.000085%; no homozygotes.

Submissions (3):

Ambry Genetics
Classification: Uncertain significance for Hereditary cancer-predisposing syndrome. Last evaluated: 2025-08-06. Review status: criteria provided, single submitter. Criteria: Ambry Variant Classification Scheme 2023. Collection method: clinical testing. Allele origin: germline.

GeneDx
Classification: Uncertain significance. Last evaluated: 2024-02-12. Review status: criteria provided, single submitter. Criteria: GeneDx Variant Classification Process June 2021. Collection method: clinical testing. Allele origin: germline. Affected: yes.
Comment: Not observed at significant frequency in large population cohorts (gnomAD); In silico analysis supports that this missense variant does not alter protein structure/function; Has not been previously published as pathogenic or benign to our knowledge

Labcorp Genetics (formerly Invitae), Labcorp
Classification: Likely benign for Gorlin syndrome. Last evaluated: 2024-02-12. Review status: criteria provided, single submitter. Criteria: Invitae Variant Classification Sherloc (09022015). Collection method: clinical testing. Allele origin: germline.

NM_000264.5(PTCH1):c.3653C>G (p.Ser1218Cys)

Gene: PTCH1 (patched 1; minus strand). Cytogenetic location: 9q22.32.
Variant type: single nucleotide variant.
Coding change: c.3653C>G on transcript NM_000264.5 (MANE Select); coding-DNA position 3653, C replaced by G.
Protein change: p.Ser1218Cys; replaces serine 1218 with cysteine.
Molecular consequence: missense variant. On other transcripts: non-coding transcript variant (1).
Genome position (GRCh38, 1-based): chr9:95,449,220, G>C on the plus strand (C>G on the coding strand, the complement: PTCH1 is on the minus strand). VCF-style: chr9-95449220-G-C. GRCh37 (hg19) VCF-style: chr9-98211502-G-C.
Other names: c.3455C>G, p.Ser1152Cys (NM_001083602.3); c.3650C>G, p.Ser1217Cys (NM_001083603.3); c.3200C>G, p.Ser1067Cys (NM_001083604.3, NM_001083605.3, NM_001083606.3 and 1 more transcripts); c.3497C>G, p.Ser1166Cys (NM_001354918.2); short protein forms S1152C, S1217C, S1067C, S1166C, S1218C.
Identifiers: ClinVar variation 1042318 (VCV001042318.13), dbSNP rs1167693193, ClinGen allele CA374111215.